The following is an entry in ClinVar:

ClinVar aggregate classification (germline): Uncertain significance (1 of 4 stars; one submission).

Conditions:
Charcot-Marie-Tooth disease type 2. Also called: Charcot-Marie-Tooth type 2. Identifiers: Orphanet 64746, MedGen C0270914, MONDO:0018993.

Allele frequency attached by ClinVar (database versions not stated): gnomAD exomes 0.00001 and below 0.00001.
gnomAD v4.1: 3 of 1,614,244 alleles (0.00019%); highest among the groups gnomAD compares: Middle Eastern, 0.049%; no homozygotes.

Submission:

Labcorp Genetics (formerly Invitae), Labcorp
Classification: Uncertain significance for Charcot-Marie-Tooth disease type 2. Last evaluated: 2022-08-09. Review status: criteria provided, single submitter. Criteria: Invitae Variant Classification Sherloc (09022015). Collection method: clinical testing. Allele origin: germline.
Comment: This sequence change replaces serine, which is neutral and polar, with arginine, which is basic and polar, at codon 585 of the MFN2 protein (p.Ser585Arg). This variant is present in population databases (no rsID available, gnomAD 0.0009%). ClinVar contains an entry for this variant (Variation ID: 1358732). This variant has not been reported in the literature in individuals affected with MFN2-related conditions. Algorithms developed to predict the effect of missense changes on protein structure and function (SIFT, PolyPhen-2, Align-GVGD) all suggest that this variant is likely to be tolerated. In summary, the available evidence is currently insufficient to determine the role of this variant in disease. Therefore, it has been classified as a Variant of Uncertain Significance.

NM_014874.4(MFN2):c.1755C>G (p.Ser585Arg)

Gene: MFN2 (mitofusin 2; plus strand). Cytogenetic location: 1p36.22.
Variant type: single nucleotide variant.
Coding change: c.1755C>G on transcript NM_014874.4 (MANE Select); coding-DNA position 1755, C replaced by G.
Protein change: p.Ser585Arg; replaces serine 585 with arginine.
Molecular consequence: missense variant.
Genome position (GRCh38, 1-based): chr1:12,006,576, C>G. VCF-style: chr1-12006576-C-G. GRCh37 (hg19) VCF-style: chr1-12066633-C-G.
Other names: c.1755C>G, p.Ser585Arg (NM_001127660.2); short protein forms S585R.
Identifiers: ClinVar variation 1358732 (VCV001358732.6), dbSNP rs1335576013, ClinGen allele CA338448497.